The following is an entry in ClinVar:

NM_000307.5(POU3F4):c.710= (p.Ala237=)

Gene: POU3F4 (POU class 3 homeobox 4; plus strand). Cytogenetic location: Xq21.1.
Variant type: single nucleotide variant.
Coding change: c.710= on transcript NM_000307.5 (MANE Select); coding-DNA position 710, no change from the reference sequence.
Protein change: p.Ala237=; no amino-acid change (alanine 237 retained).
Molecular consequence: no sequence alteration.
Genome position: GRCh38 VCF-style: chrX-83509034-C-C. GRCh37 (hg19) VCF-style: chrX-82764042-G-C.
Identifiers: ClinVar variation 43349 (VCV000043349.32), dbSNP rs5921979.

ClinVar aggregate classification (germline): Benign. Review status: criteria provided, multiple submitters, no conflicts (2 of 4 stars). 7 submissions from 7 submitters: Benign (5). 2 of the submissions do not count toward it. Last evaluated 2026-02-04.

Conditions:
X-linked mixed hearing loss with perilymphatic gusher. Also called: NANCE DEAFNESS; PERILYMPHATIC GUSHER-DEAFNESS SYNDROME; SENSORINEURAL DEAFNESS, PROFOUND, WITH OR WITHOUT A CONDUCTIVE COMPONENT, ASSOCIATED WITH A UNIQUE DEVELOPMENTAL ABNORMALITY OF THE EAR; Deafness, X-linked 2; Gusher syndrome. Identifiers: Orphanet 383, MedGen C1844678, MONDO:0010576, OMIM 304400.

Submissions (7):

Labcorp Genetics (formerly Invitae), Labcorp
Classification: Benign. Last evaluated: 2026-02-04. Review status: criteria provided, single submitter. Criteria: Invitae Variant Classification Sherloc (09022015). Collection method: clinical testing. Allele origin: germline.

Blueprint Genetics
Classification: Benign. Last evaluated: 2024-11-28. Review status: criteria provided, single submitter. Criteria: ACMG Guidelines, 2015. Collection method: clinical testing. Allele origin: germline.

ARUP Laboratories, Molecular Genetics and Genomics, ARUP Laboratories
Classification: Benign for X-linked mixed hearing loss with perilymphatic gusher. Last evaluated: 2023-11-29. Review status: criteria provided, single submitter. Criteria: ARUP Molecular Germline Variant Investigation Process 2024. Collection method: clinical testing. Allele origin: germline.

Laboratory for Molecular Medicine, Mass General Brigham Personalized Medicine
Classification: Benign. Last evaluated: 2012-12-06. Review status: criteria provided, single submitter. Criteria: LMM Criteria. Collection method: clinical testing. Allele origin: germline. Observed: 1,600 variant alleles.
Comment: Data from the 1000genomes has an MAF for G at 10.8% (179 chromosomes).

Breakthrough Genomics
Classification: Benign. Review status: criteria provided, single submitter. Criteria: ACMG Guidelines, 2015. Collection method: not provided. Allele origin: germline. Inheritance: X-linked inheritance. Affected: yes.

Clinical Genetics DNA and cytogenetics Diagnostics Lab, Erasmus MC, Erasmus Medical Center
Classification: Benign. Review status: no assertion criteria provided. Collection method: clinical testing. Allele origin: germline. Affected: yes. Study: VKGL Data-share Consensus. Not counted in ClinVar's aggregate classification.

Diagnostic Laboratory, Department of Genetics, University Medical Center Groningen
Classification: Benign. Review status: no assertion criteria provided. Collection method: clinical testing. Allele origin: germline. Affected: yes. Study: VKGL Data-share Consensus. Not counted in ClinVar's aggregate classification.